The following is an entry in ClinVar:

NM_000039.3(APOA1):c.703C>G (p.Leu235Val)

Gene: APOA1 (apolipoprotein A1; minus strand). Cytogenetic location: 11q23.3.
Variant type: single nucleotide variant.
Coding change: c.703C>G on transcript NM_000039.3 (MANE Select); coding-DNA position 703, C replaced by G.
Protein change: p.Leu235Val; replaces leucine 235 with valine.
Molecular consequence: missense variant.
Genome position (GRCh38, 1-based): chr11:116,835,909, G>C on the plus strand (C>G on the coding strand, the complement: APOA1 is on the minus strand). VCF-style: chr11-116835909-G-C. GRCh37 (hg19) VCF-style: chr11-116706625-G-C.
Other names: c.703C>G, p.Leu235Val (NM_001318017.2, NM_001318018.2); c.376C>G, p.Leu126Val (NM_001318021.2); short protein forms L126V, L235V.
Identifiers: ClinVar variation 1756824 (VCV001756824.2), dbSNP rs1341492197, ClinGen allele CA382714344.

ClinVar aggregate classification (germline): Uncertain significance (1 of 4 stars; one submission).

Conditions:
Cardiovascular phenotype. Identifiers: MedGen CN230736.

Allele frequency attached by ClinVar (database versions not stated): TOPMed below 0.00001.
gnomAD v4.1: 4 of 1,613,232 alleles (0.00025%); highest among the groups gnomAD compares: African/African-American, 0.0027%; no homozygotes.

Submission:

Ambry Genetics
Classification: Uncertain significance for Cardiovascular phenotype. Last evaluated: 2022-10-14. Review status: criteria provided, single submitter. Criteria: Ambry Variant Classification Scheme 2023. Collection method: clinical testing. Allele origin: germline.
Comment: The p.L235V variant (also known as c.703C>G), located in coding exon 3 of the APOA1 gene, results from a C to G substitution at nucleotide position 703. The leucine at codon 235 is replaced by valine, an amino acid with highly similar properties. This amino acid position is well conserved in available vertebrate species; however, valine is the reference amino acid in other vertebrate species. In addition, this alteration is predicted to be tolerated by in silico analysis. Since supporting evidence is limited at this time, the clinical significance of this alteration remains unclear.